The following is an entry in ClinVar:

NM_000059.4(BRCA2):c.3050T>C (p.Ile1017Thr)

Gene: BRCA2 (BRCA2 DNA repair associated; plus strand). Cytogenetic location: 13q13.1.
Variant type: single nucleotide variant.
Coding change: c.3050T>C on transcript NM_000059.4 (MANE Select); coding-DNA position 3050, T replaced by C.
Protein change: p.Ile1017Thr; replaces isoleucine 1017 with threonine.
Molecular consequence: missense variant.
Genome position (GRCh38, 1-based): chr13:32,337,405, T>C. VCF-style: chr13-32337405-T-C. GRCh37 (hg19) VCF-style: chr13-32911542-T-C.
Other names: short protein forms I1017T.
Identifiers: ClinVar variation 955690 (VCV000955690.12), dbSNP rs2072470949, ClinGen allele CA387775034.

ClinVar aggregate classification (germline): Conflicting classifications of pathogenicity. Review status: criteria provided, conflicting classifications (1 of 4 stars). 3 submissions from 3 submitters: Uncertain significance (2); Likely benign (1). Last evaluated 2024-08-11.

Conditions:
Hereditary breast ovarian cancer syndrome. Also called: Hereditary breast and ovarian cancer; Hereditary breast and/or ovarian cancer syndrome; Hereditary breast and ovarian cancer syndrome; Hereditary breast and ovarian cancer syndrome (HBOC); Breast and ovarian cancer; BRCA1- and BRCA2-Associated Hereditary Breast and Ovarian Cancer. Identifiers: Orphanet 145, MedGen C0677776, MeSH D061325, MONDO:0003582. Disease mechanism: loss of function.
BRCA2-related cancer predisposition. Identifiers: MedGen CN377758, MONDO:0700269.
Hereditary cancer-predisposing syndrome. Also called: Hereditary neoplastic syndrome; Tumor predisposition; Neoplastic Syndromes, Hereditary; Hereditary Cancer Syndrome. Identifiers: Orphanet 140162, MedGen C0027672, MeSH D009386, MONDO:0015356.

Allele frequency attached by ClinVar (database versions not stated): gnomAD 0.00001.

Submissions (3):

Labcorp Genetics (formerly Invitae), Labcorp
Classification: Uncertain significance for Hereditary breast ovarian cancer syndrome. Last evaluated: 2024-08-11. Review status: criteria provided, single submitter. Criteria: Invitae Variant Classification Sherloc (09022015). Collection method: clinical testing. Allele origin: germline.
Comment: This sequence change replaces isoleucine, which is neutral and non-polar, with threonine, which is neutral and polar, at codon 1017 of the BRCA2 protein (p.Ile1017Thr). This variant is not present in population databases (gnomAD no frequency). This variant has not been reported in the literature in individuals affected with BRCA2-related conditions. ClinVar contains an entry for this variant (Variation ID: 955690). Advanced modeling of protein sequence and biophysical properties (such as structural, functional, and spatial information, amino acid conservation, physicochemical variation, residue mobility, and thermodynamic stability) performed at Invitae indicates that this missense variant is not expected to disrupt BRCA2 protein function with a negative predictive value of 95%. In summary, the available evidence is currently insufficient to determine the role of this variant in disease. Therefore, it has been classified as a Variant of Uncertain Significance.

All of Us Research Program, National Institutes of Health
Classification: Uncertain significance for BRCA2-related cancer predisposition. Last evaluated: 2024-05-14. Review status: criteria provided, single submitter. Criteria: ACMG Guidelines, 2015. Collection method: clinical testing. Allele origin: germline. Inheritance: Autosomal dominant inheritance. Observed: 1 variant allele, 1 heterozygote.
Comment: This missense variant replaces isoleucine with threonine at codon 1017 of the BRCA2 protein. Computational prediction suggests that this variant may have deleterious impact on protein structure and function. To our knowledge, functional studies have not been reported for this variant. This variant has not been reported in individuals affected with BRCA2-related disorders in the literature. This variant has not been identified in the general population by the Genome Aggregation Database (gnomAD). The available evidence is insufficient to determine the role of this variant in disease conclusively. Therefore, this variant is classified as a Variant of Uncertain Significance.

This study involves interpretation of variants in research participants for the purpose of population health screening. Participant phenotype was not available at the time of variant classification. Additional details can be found in publication PMID: 35346344, PMCID: PMC8962531

University of Washington Department of Laboratory Medicine, University of Washington
Classification: Likely benign for Hereditary cancer-predisposing syndrome. Last evaluated: 2023-03-23. Review status: criteria provided, single submitter. Criteria: Dines et al. (Genet Med. 2020). Collection method: curation. Allele origin: germline.
Comment: Missense variant in a coldspot region where missense variants are very unlikely to be pathogenic (PMID:31911673).

BRCA2 exon 11 coldspot. Reclassification based on statistical prior probability.